The following is an entry in ClinVar:

NM_000075.4(CDK4):c.300A>G (p.Leu100=)

Gene: CDK4 (cyclin dependent kinase 4; minus strand). Cytogenetic location: 12q14.1.
Variant type: single nucleotide variant.
Coding change: c.300A>G on transcript NM_000075.4 (MANE Select); coding-DNA position 300, A replaced by G.
Protein change: p.Leu100=; no amino-acid change (leucine 100 retained).
Molecular consequence: synonymous variant.
Genome position (GRCh38, 1-based): chr12:57,751,261, T>C on the plus strand (A>G on the coding strand, the complement: CDK4 is on the minus strand). VCF-style: chr12-57751261-T-C. GRCh37 (hg19) VCF-style: chr12-58145044-T-C.
Identifiers: ClinVar variation 1596520 (VCV001596520.11), dbSNP rs2140387344, ClinGen allele CA480404606.

ClinVar aggregate classification (germline): Benign/Likely benign. Review status: criteria provided, multiple submitters, no conflicts (2 of 4 stars). 3 submissions from 3 submitters: Benign (1); Likely benign (2). Last evaluated 2024-09-25.

Conditions:
Hereditary cancer-predisposing syndrome. Also called: Hereditary neoplastic syndrome; Hereditary Cancer Syndrome; Neoplastic Syndromes, Hereditary; Tumor predisposition. Identifiers: Orphanet 140162, MedGen C0027672, MeSH D009386, MONDO:0015356.
Familial melanoma. Also called: Hereditary melanoma; Hereditary cutaneous melanoma. Identifiers: Orphanet 618, MedGen C1512419, MONDO:0018961.
Melanoma, cutaneous malignant, susceptibility to, 3. Also called: Cutaneous malignant melanoma 3. Identifiers: Orphanet 618, MedGen C1836892, MONDO:0012183, OMIM 609048.

Submissions (3):

Myriad Genetics, Inc.
Classification: Benign for Melanoma, cutaneous malignant, susceptibility to, 3. Last evaluated: 2024-09-25. Review status: criteria provided, single submitter. Criteria: Myriad Autosomal Dominant, Autosomal Recessive and X-Linked Classification Criteria (2023). Collection method: clinical testing. Allele origin: unknown.
Comment: This variant is considered benign. This variant is a silent/synonymous amino acid change and it is not expected to impact splicing.

Labcorp Genetics (formerly Invitae), Labcorp
Classification: Likely benign for Familial melanoma. Last evaluated: 2024-04-30. Review status: criteria provided, single submitter. Criteria: Invitae Variant Classification Sherloc (09022015). Collection method: clinical testing. Allele origin: germline.

Ambry Genetics
Classification: Likely benign for Hereditary cancer-predisposing syndrome. Last evaluated: 2021-07-07. Review status: criteria provided, single submitter. Criteria: Ambry Variant Classification Scheme 2023. Collection method: clinical testing. Allele origin: germline.